The following is an entry in ClinVar:

ClinVar aggregate classification (germline): Benign/Likely benign. Review status: criteria provided, multiple submitters, no conflicts (2 of 4 stars). 9 submissions from 4 submitters: Benign (7); Likely benign (2). Last evaluated 2025-10-28.

Conditions:
Hereditary cryohydrocytosis with reduced stomatin. Also called: Stomatin-deficient cryohydrocytosis with neurologic defects; GLUT1 DEFICIENCY SYNDROME WITH PSEUDOHYPERKALEMIA AND HEMOLYSIS. Identifiers: Orphanet 168577, MedGen C1837206, MONDO:0012143, OMIM 608885.
Dystonia 9 (DYT9). Also called: CHOREOATHETOSIS, KINESIGENIC, WITH EPISODIC ATAXIA AND SPASTICITY. Identifiers: Orphanet 53583, MedGen C1832855, MONDO:0010983, OMIM 601042.
Epilepsy, idiopathic generalized, susceptibility to, 12 (EIG12). Identifiers: MedGen C3553859, MONDO:0013919, OMIM 614847.
GLUT1 deficiency syndrome 1, autosomal recessive. Identifiers: MedGen C3149117.
Childhood onset GLUT1 deficiency syndrome 2. Also called: Exertion-induced paroxysmal dyskinesia; PAROXYSMAL EXERCISE-INDUCED DYSKINESIA WITH OR WITHOUT EPILEPSY AND/OR HEMOLYTIC ANEMIA; PAROXYSMAL EXERTION-INDUCED DYSTONIA WITH OR WITHOUT EPILEPSY AND/OR HEMOLYTIC ANEMIA; PED WITH OR WITHOUT EPILEPSY AND/OR HEMOLYTIC ANEMIA; Paroxysmal exercise-induced dystonia; PxMD-SLC2A1. Identifiers: Orphanet 98811, MedGen C1842534, MONDO:0012805, OMIM 612126.
Encephalopathy due to GLUT1 deficiency. Also called: Classic Glucose Transporter Type 1 Deficiency Syndrome; GLUCOSE TRANSPORT DEFECT, BLOOD-BRAIN BARRIER; De Vivo disease; Glucose transporter protein syndrome; GLUT1 deficiency syndrome 1, infantile onset, severe; GLUT1 deficiency syndrome 1. Identifiers: Orphanet 71277, MedGen C4551966, MONDO:0011724, OMIM 606777.

Allele frequency attached by ClinVar (database versions not stated): gnomAD 0.00002 and 0.00003; TOPMed 0.00002; ExAC 0.00005; gnomAD exomes 0.00005 and 0.00007; 1000 Genomes Project 30x 0.00016; 1000 Genomes Project 0.00020.
gnomAD v4.1: 67 of 1,536,902 alleles (0.0044%); highest among the groups gnomAD compares: East Asian, 0.15%; no homozygotes.

Submissions (9):

Labcorp Genetics (formerly Invitae), Labcorp
Classification: Likely benign for GLUT1 deficiency syndrome 1, autosomal recessive. Last evaluated: 2025-10-28. Review status: criteria provided, single submitter. Criteria: Invitae Variant Classification Sherloc (09022015). Collection method: clinical testing. Allele origin: germline.

Genome-Nilou Lab
Classification: Benign for Epilepsy, idiopathic generalized, susceptibility to, 12. Last evaluated: 2023-04-11. Review status: criteria provided, single submitter. Criteria: ACMG Guidelines, 2015. Collection method: clinical testing. Allele origin: germline. Affected: no.

Genome-Nilou Lab
Classification: Benign for Dystonia 9. Last evaluated: 2023-04-11. Review status: criteria provided, single submitter. Criteria: ACMG Guidelines, 2015. Collection method: clinical testing. Allele origin: germline. Affected: no.

Genome-Nilou Lab
Classification: Benign for Encephalopathy due to GLUT1 deficiency. Last evaluated: 2023-04-11. Review status: criteria provided, single submitter. Criteria: ACMG Guidelines, 2015. Collection method: clinical testing. Allele origin: germline. Affected: no.

Genome-Nilou Lab
Classification: Benign for Childhood onset GLUT1 deficiency syndrome 2. Last evaluated: 2023-04-11. Review status: criteria provided, single submitter. Criteria: ACMG Guidelines, 2015. Collection method: clinical testing. Allele origin: germline. Affected: no.

Genome-Nilou Lab
Classification: Benign for Hereditary cryohydrocytosis with reduced stomatin. Last evaluated: 2023-04-11. Review status: criteria provided, single submitter. Criteria: ACMG Guidelines, 2015. Collection method: clinical testing. Allele origin: germline. Affected: no.

Illumina Laboratory Services, Illumina
Classification: Benign for Dystonia 9. Last evaluated: 2018-01-12. Review status: criteria provided, single submitter. Criteria: ICSL Variant Classification Criteria 13 December 2019. Collection method: clinical testing. Allele origin: germline.
Comment: This variant was observed in the ICSL laboratory as part of a predisposition screen in an ostensibly healthy population. It had not been previously curated by ICSL or reported in the Human Gene Mutation Database (HGMD: prior to June 1st, 2018), and was therefore a candidate for classification through an automated scoring system. Utilizing variant allele frequency, disease prevalence and penetrance estimates, and inheritance mode, an automated score was calculated to assess if this variant is too frequent to cause the disease. Based on the score and internal cut-off values, a variant classified as benign is not then subjected to further curation. The score for this variant resulted in a classification of benign for this disease.

Illumina Laboratory Services, Illumina
Classification: Benign for Encephalopathy due to GLUT1 deficiency. Last evaluated: 2018-01-12. Review status: criteria provided, single submitter. Criteria: ICSL Variant Classification Criteria 13 December 2019. Collection method: clinical testing. Allele origin: germline.
Comment: the same text as in the submission from Illumina Laboratory Services, Illumina above.

GeneDx
Classification: Likely benign. Last evaluated: 2016-01-20. Review status: criteria provided, single submitter. Criteria: GeneDx Variant Classification (06012015). Collection method: clinical testing. Allele origin: germline. Affected: yes.
Comment: This variant is considered likely benign or benign based on one or more of the following criteria: it is a conservative change, it occurs at a poorly conserved position in the protein, it is predicted to be benign by multiple in silico algorithms, and/or has population frequency not consistent with disease.

NM_006516.4(SLC2A1):c.1278+9C>G

Gene: SLC2A1 (solute carrier family 2 member 1; minus strand). Cytogenetic location: 1p34.2.
Variant type: single nucleotide variant.
Coding change: c.1278+9C>G on transcript NM_006516.4 (MANE Select); 9 bases into the intron after coding-DNA position 1278, C replaced by G.
Molecular consequence: intron variant.
Genome position (GRCh38, 1-based): chr1:42,927,596, G>C on the plus strand (C>G on the coding strand, the complement: SLC2A1 is on the minus strand). VCF-style: chr1-42927596-G-C. GRCh37 (hg19) VCF-style: chr1-43393267-G-C.
Identifiers: ClinVar variation 297379 (VCV000297379.14), dbSNP rs550156548, ClinGen allele CA803321.
Genomic context (GRCh38, chr1:42,927,596, plus strand): 5'-GGCCAGCACTTTGCACAGCACTGTGGGGTCATGCGTGCGGGTGAGTATAGAGACAGTGGG[G>C]GTTCTCACCTCCACATACTGGAAGCACATGCCCACAATGAAATTTGAGGTCCAGTTGGAG-3'